The following is an entry in ClinVar:

ClinVar aggregate classification (germline): Uncertain significance. Review status: criteria provided, multiple submitters, no conflicts (2 of 4 stars). 2 submissions from 2 submitters: Uncertain significance (2). Last evaluated 2024-04-25.

Conditions:
Weaver syndrome (WVS). Also called: Weaver Smith syndrome; Overgrowth syndrome with accelerated skeletal maturation, unusual facies, and camptodactyly. Identifiers: Orphanet 3447, MedGen C0265210, MONDO:0010193, OMIM 277590.

Submissions (2):

Labcorp Genetics (formerly Invitae), Labcorp
Classification: Uncertain significance for Weaver syndrome. Last evaluated: 2024-04-25. Review status: criteria provided, single submitter. Criteria: Invitae Variant Classification Sherloc (09022015). Collection method: clinical testing. Allele origin: germline.
Comment: This sequence change replaces proline, which is neutral and non-polar, with threonine, which is neutral and polar, at codon 355 of the EZH2 protein (p.Pro355Thr). This variant is not present in population databases (gnomAD no frequency). This variant has not been reported in the literature in individuals affected with EZH2-related conditions. Advanced modeling of protein sequence and biophysical properties (such as structural, functional, and spatial information, amino acid conservation, physicochemical variation, residue mobility, and thermodynamic stability) performed at Invitae indicates that this missense variant is not expected to disrupt EZH2 protein function with a negative predictive value of 80%. In summary, the available evidence is currently insufficient to determine the role of this variant in disease. Therefore, it has been classified as a Variant of Uncertain Significance.

GeneDx
Classification: Uncertain significance. Last evaluated: 2024-02-13. Review status: criteria provided, single submitter. Criteria: GeneDx Variant Classification Process June 2021. Collection method: clinical testing. Allele origin: germline. Affected: yes.
Comment: Not observed at significant frequency in large population cohorts (gnomAD); In silico analysis supports that this missense variant does not alter protein structure/function; Has not been previously published as pathogenic or benign to our knowledge

NM_004456.5(EZH2):c.1063C>A (p.Pro355Thr)

Gene: EZH2 (enhancer of zeste 2 polycomb repressive complex 2 subunit; minus strand). Cytogenetic location: 7q36.1.
Variant type: single nucleotide variant.
Coding change: c.1063C>A on transcript NM_004456.5 (MANE Select); coding-DNA position 1063, C replaced by A.
Protein change: p.Pro355Thr; replaces proline 355 with threonine.
Molecular consequence: missense variant.
Genome position (GRCh38, 1-based): chr7:148,818,054, G>T on the plus strand (C>A on the coding strand, the complement: EZH2 is on the minus strand). VCF-style: chr7-148818054-G-T. GRCh37 (hg19) VCF-style: chr7-148515146-G-T.
Other names: c.1021C>A, p.Pro341Thr (NM_001203248.2, NM_001203249.2); c.1048C>A, p.Pro350Thr (NM_001203247.2); c.931C>A, p.Pro311Thr (NM_152998.3); short protein forms P311T, P341T, P350T, P355T.
Identifiers: ClinVar variation 3369189 (VCV003369189.3).